The following is an entry in ClinVar:

ClinVar aggregate classification (germline): Conflicting classifications of pathogenicity. Review status: criteria provided, conflicting classifications (1 of 4 stars). 2 submissions from 2 submitters: Uncertain significance (1); Likely benign (1). Last evaluated 2025-09-10.

Conditions:
Cardiovascular phenotype. Identifiers: MedGen CN230736.

Allele frequency attached by ClinVar (database versions not stated): TOPMed 0.00015; ExAC 0.00075; gnomAD 0.00017; gnomAD exomes 0.00011; 1000 Genomes Project 30x 0.00016.
gnomAD v4.1: 201 of 1,541,520 alleles (0.013%); highest among the groups gnomAD compares: Admixed American, 0.048%; no homozygotes.

Submissions (2):

Labcorp Genetics (formerly Invitae), Labcorp
Classification: Likely benign. Last evaluated: 2025-09-10. Review status: criteria provided, single submitter. Criteria: Invitae Variant Classification Sherloc (09022015). Collection method: clinical testing. Allele origin: germline.

Ambry Genetics
Classification: Uncertain significance for Cardiovascular phenotype. Last evaluated: 2024-04-04. Review status: criteria provided, single submitter. Criteria: Ambry Variant Classification Scheme 2023. Collection method: clinical testing. Allele origin: germline.
Comment: The p.A59V variant (also known as c.176C>T), located in coding exon 1 of the LMF1 gene, results from a C to T substitution at nucleotide position 176. The alanine at codon 59 is replaced by valine, an amino acid with similar properties. This amino acid position is conserved. In addition, this alteration is predicted to be tolerated by in silico analysis. Since supporting evidence is limited at this time, the clinical significance of this alteration remains unclear.

NM_022773.4(LMF1):c.176C>T (p.Ala59Val)

Genes: LMF1 (lipase maturation factor 1; minus strand), LOC130058141 (ATAC-STARR-seq lymphoblastoid silent region 6962; plus strand). Cytogenetic location: 16p13.3.
Variant type: single nucleotide variant.
Coding change: c.176C>T on transcript NM_022773.4 (MANE Select); coding-DNA position 176, C replaced by T.
Protein change: p.Ala59Val; replaces alanine 59 with valine.
Molecular consequence: missense variant. On other transcripts: 5 prime UTR variant (1), non-coding transcript variant (1), intron variant (3).
Genome position (GRCh38, 1-based): chr16:970,805, G>A on the plus strand (C>T on the coding strand, the complement: LMF1 is on the minus strand). VCF-style: chr16-970805-G-A. GRCh37 (hg19) VCF-style: chr16-1020805-G-A.
Other names: c.176C>T, p.Ala59Val (NM_001352020.1); c.-530C>T (NM_001352021.2); c.-135+10340C>T (NM_001352019.2); c.-611+10340C>T (NM_001352017.2); c.-362+10340C>T (NM_001352018.2); short protein forms A59V.
Identifiers: ClinVar variation 1779766 (VCV001779766.6), dbSNP rs759181295, ClinGen allele CA7797761.